The following is an entry in ClinVar:

NM_000540.3(RYR1):c.11266C>G (p.Gln3756Glu)

Gene: RYR1 (ryanodine receptor 1; plus strand). Cytogenetic location: 19q13.2.
Variant type: single nucleotide variant.
Coding change: c.11266C>G on transcript NM_000540.3 (MANE Select); coding-DNA position 11266, C replaced by G.
Protein change: p.Gln3756Glu; replaces glutamine 3756 with glutamic acid.
Molecular consequence: missense variant.
Genome position (GRCh38, 1-based): chr19:38,534,726, C>G. VCF-style: chr19-38534726-C-G. GRCh37 (hg19) VCF-style: chr19-39025366-C-G.
Other names: NM_000540.2(RYR1):c.11266C>G; c.11251C>G, p.Gln3751Glu (NM_001042723.2); short protein forms Q3751E.
Identifiers: ClinVar variation 133011 (VCV000133011.31), dbSNP rs4802584, ClinGen allele CA023907.

ClinVar aggregate classification (germline): Benign. Review status: reviewed by expert panel (3 of 4 stars). 18 submissions from 17 submitters: Benign (1). 17 of the submissions do not count toward it. Last evaluated 2021-03-17.

Conditions:
RYR1-related disorder. Also called: RYR1-related disorders; RYR1-related condition. Identifiers: MedGen CN239331.
Malignant hyperthermia, susceptibility to, 1 (MHS1). Also called: Anesthesia related hyperthermia; Malignant hyperpyrexia; Fulminating hyperpyrexia; Pharmacogenic myopathy; RYR1-Related Malignant Hyperthermia Susceptibility; Malignant hyperthermia suceptibility 1. Identifiers: Orphanet 423, MedGen C2930980, MONDO:0007783, OMIM 145600.
Congenital multicore myopathy with external ophthalmoplegia (CMYO1B). Also called: Minicore myopathy with external ophthalmoplegia; MULTIMINICORE DISEASE WITH EXTERNAL OPHTHALMOPLEGIA; Congenital myopathy 1B, autosomal recessive; Minicore myopathy; MULTICORE MYOPATHY. Identifiers: Orphanet 598, Orphanet 98905, MedGen C1850674, MONDO:0009712, OMIM 255320, HP:0003789.

Allele frequency attached by ClinVar (database versions not stated): ESP Exome Variant Server 0.01184; ExAC 0.03374; gnomAD exomes 0.03455 and 0.02272; TOPMed 0.02387; gnomAD 0.02143 and 0.02281; 1000 Genomes Project 0.03514; 1000 Genomes Project 30x 0.03576.
gnomAD v4.1: 36,841 of 1,613,680 alleles (2.3%); highest among the groups gnomAD compares: Admixed American, 9.9%; 822 homozygotes.

Submissions (18):

ClinGen Malignant Hyperthermia Susceptibility Variant Curation Expert Panel, ClinGen
Classification: Benign for Malignant hyperthermia, susceptibility to, 1. Last evaluated: 2021-03-17. Review status: reviewed by expert panel. Criteria: ClinGen MHS ACMG Specifications V1. Collection method: curation. Allele origin: germline. Inheritance: Autosomal dominant inheritance. Study: ClinGen.
Comment: This pathogenicity assessment is relevant only for malignant hyperthermia susceptibility (MHS) inherited in an autosomal dominant pattern. Variants in RYR1 can also cause other myopathies inherited in an autosomal dominant pattern or in an autosomal recessive pattern. Some of these disorders may predispose individuals to malignant hyperthermia. RYR1 variants may also contribute to a malignant hyperthermia reaction in combination with other genetic and non-genetic factors and the clinician needs to consider such factors in making management decisions. This sequence variant predicts a substitution of Glutamine with Glutamic Acid at codon 3756 of the RYR1 protein, p.(Gln3756Glu). The maximum allele frequency for this variant among the six major gnomAD populations is AMR: 0.1085, which is considered to be too common for a pathogenic variant causing autosomal dominantly inherited MHS, BA1. This variant has been classified as Benign. Criteria implemented: BA1.

Labcorp Genetics (formerly Invitae), Labcorp
Classification: Benign for RYR1-related disorder. Last evaluated: 2026-02-04. Review status: criteria provided, single submitter. Criteria: Invitae Variant Classification Sherloc (09022015). Collection method: clinical testing. Allele origin: germline. Not counted in ClinVar's aggregate classification.

Athena Diagnostics
Classification: Benign. Last evaluated: 2025-07-29. Review status: criteria provided, single submitter. Criteria: Athena Diagnostics Criteria. Collection method: clinical testing. Allele origin: unknown. Not counted in ClinVar's aggregate classification.
Comment: The frequency of this variant in the general population is higher than would generally be expected for pathogenic variants in this gene.

All of Us Research Program, National Institutes of Health
Classification: Benign for Malignant hyperthermia, susceptibility to, 1. Last evaluated: 2024-09-28. Review status: criteria provided, single submitter. Criteria: ACMG Guidelines, 2015. Collection method: clinical testing. Allele origin: germline. Inheritance: Autosomal dominant inheritance. Observed: 6,747 variant alleles, 6,580 heterozygotes, 166 homozygotes, 1 hemizygote. Not counted in ClinVar's aggregate classification.
Comment: This study involves interpretation of variants in research participants for the purpose of population health screening. Participant phenotype was not available at the time of variant classification. Additional details can be found in publication PMID: 35346344, PMCID: PMC8962531

PreventionGenetics, part of Exact Sciences
Classification: Benign. Last evaluated: 2018-03-06. Review status: criteria provided, single submitter. Criteria: ACMG Guidelines, 2015. Collection method: clinical testing. Allele origin: germline. Not counted in ClinVar's aggregate classification.

Color Diagnostics, LLC DBA Color Health
Classification: Benign for Malignant hyperthermia, susceptibility to, 1. Last evaluated: 2018-03-05. Review status: criteria provided, single submitter. Criteria: ACMG Guidelines, 2015. Collection method: clinical testing. Allele origin: germline. Not counted in ClinVar's aggregate classification.

Illumina Laboratory Services, Illumina
Classification: Benign for Malignant hyperthermia, susceptibility to, 1. Last evaluated: 2018-01-13. Review status: criteria provided, single submitter. Criteria: ICSL Variant Classification Criteria 13 December 2019. Collection method: clinical testing. Allele origin: germline. Not counted in ClinVar's aggregate classification.
Comment: This variant was observed in the ICSL laboratory as part of a predisposition screen in an ostensibly healthy population. It had not been previously curated by ICSL or reported in the Human Gene Mutation Database (HGMD: prior to June 1st, 2018), and was therefore a candidate for classification through an automated scoring system. Utilizing variant allele frequency, disease prevalence and penetrance estimates, and inheritance mode, an automated score was calculated to assess if this variant is too frequent to cause the disease. Based on the score and internal cut-off values, a variant classified as benign is not then subjected to further curation. The score for this variant resulted in a classification of benign for this disease.

Illumina Laboratory Services, Illumina
Classification: Benign for Congenital multicore myopathy with external ophthalmoplegia. Last evaluated: 2018-01-13. Review status: criteria provided, single submitter. Criteria: ICSL Variant Classification Criteria 13 December 2019. Collection method: clinical testing. Allele origin: germline. Not counted in ClinVar's aggregate classification.
Comment: the same text as in the submission from Illumina Laboratory Services, Illumina above.

Mayo Clinic Laboratories, Mayo Clinic
Classification: Benign. Last evaluated: 2017-08-25. Review status: criteria provided, single submitter. Criteria: ACMG Guidelines, 2015. Collection method: clinical testing. Allele origin: germline. Observed: 40 variant alleles. Not counted in ClinVar's aggregate classification.

GeneDx
Classification: Benign. Last evaluated: 2016-02-17. Review status: criteria provided, single submitter. Criteria: GeneDx Variant Classification (06012015). Collection method: clinical testing. Allele origin: germline. Affected: yes. Not counted in ClinVar's aggregate classification.
Comment: This variant is considered likely benign or benign based on one or more of the following criteria: it is a conservative change, it occurs at a poorly conserved position in the protein, it is predicted to be benign by multiple in silico algorithms, and/or has population frequency not consistent with disease.

Eurofins Ntd Llc (ga)
Classification: Benign. Last evaluated: 2014-04-22. Review status: criteria provided, single submitter. Criteria: EGL Classification Definitions 2015. Collection method: clinical testing. Allele origin: germline. Observed: 2 variant alleles, 2 heterozygotes. Not counted in ClinVar's aggregate classification.

Biesecker Lab/Clinical Genomics Section, National Institutes of Health
Classification: Benign for Malignant hyperthermia, susceptibility to, 1. Last evaluated: 2013-07-01. Review status: criteria provided, single submitter. Criteria: Gonsalves et al. 2013. Collection method: research. Allele origin: unknown. Observed: 38 variant alleles. Study: ClinSeq. Not counted in ClinVar's aggregate classification.
Comment: The study set was not selected for affection status in relation to any myopathy. Pathogenicity categories were based on literature curation. See Pubmed ID: 24195946 for details.

Genetic Services Laboratory, University of Chicago
Classification: Benign. Last evaluated: 2013-02-08. Review status: criteria provided, single submitter. Criteria: ACMG Guidelines, 2007. Collection method: clinical testing. Allele origin: germline. Inheritance: Autosomal unknown. Not counted in ClinVar's aggregate classification.

Breakthrough Genomics
Classification: Benign. Review status: criteria provided, single submitter. Criteria: ACMG Guidelines, 2015. Collection method: not provided. Allele origin: germline. Inheritance: Autosomal recessive inheritance. Affected: yes. Not counted in ClinVar's aggregate classification.

Genome Diagnostics Laboratory, University Medical Center Utrecht
Classification: Likely benign. Review status: no assertion criteria provided. Collection method: clinical testing. Allele origin: germline. Affected: yes. Study: VKGL Data-share Consensus. Not counted in ClinVar's aggregate classification.

Joint Genome Diagnostic Labs from Nijmegen and Maastricht, Radboudumc and MUMC+
Classification: Benign. Review status: no assertion criteria provided. Collection method: clinical testing. Allele origin: germline. Affected: yes. Study: VKGL Data-share Consensus. Not counted in ClinVar's aggregate classification.

Laboratory of Diagnostic Genome Analysis, Leiden University Medical Center (LUMC)
Classification: Likely benign. Review status: no assertion criteria provided. Collection method: clinical testing. Allele origin: germline. Affected: yes. Study: VKGL Data-share Consensus. Not counted in ClinVar's aggregate classification.

RYR1 database
No classification provided. Review status: no classification provided. Collection method: not provided. Allele origin: unknown. Not counted in ClinVar's aggregate classification.

Literature cited by the submitters: PubMed 18719443 (cited by Athena Diagnostics); PubMed 23183335 (cited by Athena Diagnostics); PubMed 10888602 (cited by Athena Diagnostics); PubMed 15731587 (cited by Athena Diagnostics); PubMed 19191333 (cited by Athena Diagnostics); PubMed 17538032 (cited by Athena Diagnostics); PubMed 16732084 (cited by Athena Diagnostics).